The following is an entry in ClinVar:

NM_001199397.3(NEK1):c.2282_2283dup (p.Asp762fs)

Gene: NEK1 (NIMA related kinase 1; minus strand). Cytogenetic location: 4q33.
Variant type: Microsatellite.
Coding change: c.2282_2283dup on transcript NM_001199397.3 (MANE Select); coding-DNA positions 2282 to 2283, 2 bases duplicated (CT; older notation c.2282_2283dupCT).
Protein change: p.Asp762fs; shifts the reading frame from aspartic acid 762.
Molecular consequence: frameshift variant. On other transcripts: non-coding transcript variant (1).
Genome position (GRCh38, 1-based): chr4:169,477,275-169,477,276, AG duplicated on the plus strand (CT on the coding strand, the reverse complement: NEK1 is on the minus strand); duplicating any 2 consecutive bases within chr4:169,477,275-169,477,281 gives the same sequence; the c. name uses the placement nearest the transcript's 3' end. VCF-style (leftmost placement, unchanged base first): chr4-169477274-C-CAG. GRCh37 (hg19) VCF-style: chr4-170398425-C-CAG.
Other names: c.2150_2151dup, p.Asp718fs (NM_001199398.3); c.1991_1992dup, p.Asp665fs (NM_001199399.3); c.2066_2067dup, p.Asp690fs (NM_001199400.3); c.2282_2283dup, p.Asp762fs (NM_001374418.1); c.2198_2199dup, p.Asp734fs (NM_001374419.1, NM_012224.4); c.2147_2148dup, p.Asp717fs (NM_001374420.1); c.1976_1977dup, p.Asp660fs (NM_001374421.1); short protein forms D665fs, D690fs, D717fs, D734fs, D660fs, D718fs, D762fs.
Identifiers: ClinVar variation 2716734 (VCV002716734.3), dbSNP rs750159428, ClinGen allele CA2697546982.

ClinVar aggregate classification (germline): Pathogenic (1 of 4 stars; one submission).

Conditions:
Short-rib thoracic dysplasia 6 with or without polydactyly (SRTD6). Also called: POLYDACTYLY WITH NEONATAL CHONDRODYSTROPHY, TYPE II; SHORT RIB-POLYDACTYLY SYNDROME, TYPE IIA; SHORT-RIB THORACIC DYSPLASIA 6 WITH POLYDACTYLY; SHORT-RIB THORACIC DYSPLASIA 6 WITHOUT POLYDACTYLY; Majewski Syndrome. Identifiers: MedGen C0024507, MONDO:0009894, OMIM 263520.

Submission:

Labcorp Genetics (formerly Invitae), Labcorp
Classification: Pathogenic for Short-rib thoracic dysplasia 6 with or without polydactyly. Last evaluated: 2023-06-15. Review status: criteria provided, single submitter. Criteria: Invitae Variant Classification Sherloc (09022015). Collection method: clinical testing. Allele origin: germline.
Comment: For these reasons, this variant has been classified as Pathogenic. This variant has not been reported in the literature in individuals affected with NEK1-related conditions. This variant is not present in population databases (gnomAD no frequency). This sequence change creates a premature translational stop signal (p.Asp734Leufs*6) in the NEK1 gene. It is expected to result in an absent or disrupted protein product. Loss-of-function variants in NEK1 are known to be pathogenic (PMID: 22499340, 29068549).

Literature cited by the submitters: PubMed 22499340; PubMed 29068549.